The following is an entry in ClinVar:

NM_000350.3(ABCA4):c.689G>A (p.Cys230Tyr)

Gene: ABCA4 (ATP binding cassette subfamily A member 4; minus strand). Cytogenetic location: 1p22.1.
Variant type: single nucleotide variant.
Coding change: c.689G>A on transcript NM_000350.3 (MANE Select); coding-DNA position 689, G replaced by A.
Protein change: p.Cys230Tyr; replaces cysteine 230 with tyrosine.
Molecular consequence: missense variant.
Genome position (GRCh38, 1-based): chr1:94,098,873, C>T on the plus strand (G>A on the coding strand, the complement: ABCA4 is on the minus strand). VCF-style: chr1-94098873-C-T. GRCh37 (hg19) VCF-style: chr1-94564429-C-T.
Other names: c.689G>A, p.Cys230Tyr (NM_001425324.1); c.689G>A (NM_000350.2); short protein forms C230Y.
Identifiers: ClinVar variation 1996330 (VCV001996330.5), dbSNP rs2523965931, ClinGen allele CA341289348.

ClinVar aggregate classification (germline): Conflicting classifications of pathogenicity. Review status: criteria provided, conflicting classifications (1 of 4 stars). 2 submissions from 2 submitters: Likely pathogenic (1); Uncertain significance (1). Last evaluated 2025-04-08.

Conditions:
ABCA4-related disorder. Also called: ABCA4-related condition; ABCA4-related disorders. Identifiers: MedGen CN239167.

Submissions (2):

PreventionGenetics, part of Exact Sciences
Classification: Uncertain significance for ABCA4-related condition. Last evaluated: 2025-04-08. Review status: criteria provided, single submitter. Criteria: ACMG Guidelines, 2015. Collection method: clinical testing. Allele origin: germline.
Comment: The ABCA4 c.689G>A variant is predicted to result in the amino acid substitution p.Cys230Tyr. To our knowledge, this variant has not been reported in the literature. Alternate substitutions of this amino acid residue (p.Cys230Trp, p.Cys230Ser, and p.Cys230Gly) have been reported in individuals with retinal disease (Table S1, Lin et al. 2024. PubMed ID: 38219857; Rivera et al. 2000. PubMed ID: 10958763; Nassisi et al. 2019. PubMed ID: 31614660). This variant is absent in a large population database (gnomAD), indicating this variant is rare. This variant is predicted to have a damaging effect on the encoded protein (Liu X et al. 2016. PMID:26555599). Although we suspect that this variant may be pathogenic, at this time, the clinical significance of this variant is uncertain due to the absence of conclusive functional and genetic evidence.

Labcorp Genetics (formerly Invitae), Labcorp
Classification: Likely pathogenic. Last evaluated: 2022-05-19. Review status: criteria provided, single submitter. Criteria: Invitae Variant Classification Sherloc (09022015). Collection method: clinical testing. Allele origin: germline.
Comment: This sequence change replaces cysteine, which is neutral and slightly polar, with tyrosine, which is neutral and polar, at codon 230 of the ABCA4 protein (p.Cys230Tyr). This variant is not present in population databases (gnomAD no frequency). This variant has not been reported in the literature in individuals affected with ABCA4-related conditions. Advanced modeling of protein sequence and biophysical properties (such as structural, functional, and spatial information, amino acid conservation, physicochemical variation, residue mobility, and thermodynamic stability) performed at Invitae indicates that this missense variant is expected to disrupt ABCA4 protein function. This variant disrupts the p.Cys230 amino acid residue in ABCA4. Other variant(s) that disrupt this residue have been determined to be pathogenic (PMID: 10958763, 11702214, 15192030; Invitae). This suggests that this residue is clinically significant, and that variants that disrupt this residue are likely to be disease-causing. In summary, the currently available evidence indicates that the variant is pathogenic, but additional data are needed to prove that conclusively. Therefore, this variant has been classified as Likely Pathogenic.

Literature cited by the submitters: PubMed 10958763 (cited by Labcorp Genetics (formerly Invitae), Labcorp); PubMed 11702214 (cited by Labcorp Genetics (formerly Invitae), Labcorp); PubMed 15192030 (cited by Labcorp Genetics (formerly Invitae), Labcorp).